The following is an entry in ClinVar:

NM_005430.4(WNT1):c.953C>G (p.Ser318Trp)

Gene: WNT1 (Wnt family member 1; plus strand). Cytogenetic location: 12q13.12.
Variant type: single nucleotide variant.
Coding change: c.953C>G on transcript NM_005430.4 (MANE Select); coding-DNA position 953, C replaced by G.
Protein change: p.Ser318Trp; replaces serine 318 with tryptophan.
Molecular consequence: missense variant.
Genome position (GRCh38, 1-based): chr12:48,981,480, C>G. VCF-style: chr12-48981480-C-G. GRCh37 (hg19) VCF-style: chr12-49375263-C-G.
Other names: short protein forms S318W.
Identifiers: ClinVar variation 1374511 (VCV001374511.6), dbSNP rs976018078, ClinGen allele CA384637528.

ClinVar aggregate classification (germline): Uncertain significance (1 of 4 stars; one submission).

gnomAD v4.1: 2 of 1,553,692 alleles (0.00013%); highest among the groups gnomAD compares: Middle Eastern, 0.017%; no homozygotes.

Submission:

Labcorp Genetics (formerly Invitae), Labcorp
Classification: Uncertain significance. Last evaluated: 2022-11-22. Review status: criteria provided, single submitter. Criteria: Invitae Variant Classification Sherloc (09022015). Collection method: clinical testing. Allele origin: germline.
Comment: In summary, the available evidence is currently insufficient to determine the role of this variant in disease. Therefore, it has been classified as a Variant of Uncertain Significance. Advanced modeling of protein sequence and biophysical properties (such as structural, functional, and spatial information, amino acid conservation, physicochemical variation, residue mobility, and thermodynamic stability) performed at Invitae indicates that this missense variant is expected to disrupt WNT1 protein function. ClinVar contains an entry for this variant (Variation ID: 1374511). This variant has not been reported in the literature in individuals affected with WNT1-related conditions. This variant is not present in population databases (gnomAD no frequency). This sequence change replaces serine, which is neutral and polar, with tryptophan, which is neutral and slightly polar, at codon 318 of the WNT1 protein (p.Ser318Trp).